The following is an entry in ClinVar:

ClinVar aggregate classification (germline): Uncertain significance. Review status: criteria provided, multiple submitters, no conflicts (2 of 4 stars). 2 submissions from 2 submitters: Uncertain significance (2). Last evaluated 2025-05-18.

Conditions:
Inborn genetic diseases. Identifiers: MedGen C0950123, MeSH D030342.

Allele frequency attached by ClinVar (database versions not stated): gnomAD exomes below 0.00001; TOPMed 0.00001; gnomAD 0.00002.
gnomAD v4.1: 7 of 1,609,466 alleles (0.00043%); highest among the groups gnomAD compares: African/African-American, 0.0013%; no homozygotes.

Submissions (2):

Labcorp Genetics (formerly Invitae), Labcorp
Classification: Uncertain significance. Last evaluated: 2025-05-18. Review status: criteria provided, single submitter. Criteria: Invitae Variant Classification Sherloc (09022015). Collection method: clinical testing. Allele origin: germline.
Comment: This sequence change replaces histidine, which is basic and polar, with aspartic acid, which is acidic and polar, at codon 224 of the PDE6B protein (p.His224Asp). This variant is not present in population databases (gnomAD no frequency). This variant has not been reported in the literature in individuals affected with PDE6B-related conditions. ClinVar contains an entry for this variant (Variation ID: 1038026). Invitae Evidence Modeling of protein sequence and biophysical properties (such as structural, functional, and spatial information, amino acid conservation, physicochemical variation, residue mobility, and thermodynamic stability) has been performed for this missense variant. However, the output from this modeling did not meet the statistical confidence thresholds required to predict the impact of this variant on PDE6B protein function. In summary, the available evidence is currently insufficient to determine the role of this variant in disease. Therefore, it has been classified as a Variant of Uncertain Significance.

Ambry Genetics
Classification: Uncertain significance for Inborn genetic diseases. Last evaluated: 2024-07-27. Review status: criteria provided, single submitter. Criteria: Ambry Variant Classification Scheme 2023. Collection method: clinical testing. Allele origin: germline.

NM_000283.4(PDE6B):c.670C>G (p.His224Asp)

Gene: PDE6B (phosphodiesterase 6B; plus strand). Cytogenetic location: 4p16.3.
Variant type: single nucleotide variant.
Coding change: c.670C>G on transcript NM_000283.4 (MANE Select); coding-DNA position 670, C replaced by G.
Protein change: p.His224Asp; replaces histidine 224 with aspartic acid.
Molecular consequence: missense variant.
Genome position (GRCh38, 1-based): chr4:635,928, C>G. VCF-style: chr4-635928-C-G. GRCh37 (hg19) VCF-style: chr4-629717-C-G.
Other names: c.670C>G, p.His224Asp (NM_001145291.2); c.670C>G (NM_000283.3); short protein forms H224D.
Identifiers: ClinVar variation 1038026 (VCV001038026.9), dbSNP rs899890736, ClinGen allele CA91061278.
Genomic context (GRCh38, chr4:635,928, plus strand): 5'-TTCCTGTTTCAGGTGTTCTTGAAGTACCTGAATTTTGCCACGTTGTACCTGAAGATCTAT[C>G]ACCTGAGCTACCTCCACAACTGCGAGACGCGCCGCGGCCAGGTACCCACACGCTGAGCAC-3'
Protein context (NP_000274.3, residues 214-234): NFATLYLKIY[His224Asp]LSYLHNCETR